The following is an entry in ClinVar:

NM_000051.4(ATM):c.2481A>G (p.Lys827=)

Gene: ATM (ATM serine/threonine kinase; plus strand). Cytogenetic location: 11q22.3.
Variant type: single nucleotide variant.
Coding change: c.2481A>G on transcript NM_000051.4 (MANE Select); coding-DNA position 2481, A replaced by G.
Protein change: p.Lys827=; no amino-acid change (lysine 827 retained).
Molecular consequence: synonymous variant.
Genome position (GRCh38, 1-based): chr11:108,267,185, A>G. VCF-style: chr11-108267185-A-G. GRCh37 (hg19) VCF-style: chr11-108137912-A-G.
Other names: c.2481A>G, p.Lys827= (NM_001351834.2).
Identifiers: ClinVar variation 1171908 (VCV001171908.4), dbSNP rs2135505455, ClinGen allele CA476673528.

ClinVar aggregate classification (germline): Benign/Likely benign. Review status: criteria provided, multiple submitters, no conflicts (2 of 4 stars). 3 submissions from 3 submitters: Benign (1); Likely benign (2). Last evaluated 2024-12-20.

Conditions:
Hereditary cancer-predisposing syndrome. Also called: Tumor predisposition; Hereditary neoplastic syndrome; Hereditary Cancer Syndrome; Neoplastic Syndromes, Hereditary. Identifiers: Orphanet 140162, MedGen C0027672, MeSH D009386, MONDO:0015356.
Familial cancer of breast. Also called: hereditary breast carcinoma; Hereditary breast cancer; BREAST CANCER, FAMILIAL. Identifiers: Orphanet 227535, MedGen C0346153, MONDO:0016419, OMIM 114480. Disease mechanism: loss of function.

Allele frequency attached by ClinVar (database versions not stated): gnomAD exomes below 0.00001.
gnomAD v4.1: 1 of 1,614,106 alleles (0.000062%); highest among the groups gnomAD compares: Non-Finnish European, 0.000085%; no homozygotes.

Submissions (3):

Ambry Genetics
Classification: Likely benign for Hereditary cancer-predisposing syndrome. Last evaluated: 2024-12-20. Review status: criteria provided, single submitter. Criteria: Ambry Variant Classification Scheme 2023. Collection method: clinical testing. Allele origin: germline.

Myriad Genetics, Inc.
Classification: Benign for Familial cancer of breast. Last evaluated: 2024-05-09. Review status: criteria provided, single submitter. Criteria: Myriad Autosomal Dominant, Autosomal Recessive and X-Linked Classification Criteria (2023). Collection method: clinical testing. Allele origin: unknown.
Comment: This variant is considered benign. This variant is a silent/synonymous amino acid change and it is not expected to impact splicing.

Color Diagnostics, LLC DBA Color Health
Classification: Likely benign for Hereditary cancer-predisposing syndrome. Last evaluated: 2020-08-25. Review status: criteria provided, single submitter. Criteria: ACMG Guidelines, 2015. Collection method: clinical testing. Allele origin: germline.